The following is an entry in ClinVar:

ClinVar aggregate classification (germline): Likely benign. Review status: criteria provided, multiple submitters, no conflicts (2 of 4 stars). 2 submissions from 2 submitters: Likely benign (2). Last evaluated 2025-02-01.

Allele frequency attached by ClinVar (database versions not stated): gnomAD 0.00004; gnomAD exomes 0.00005; TOPMed 0.00005; ExAC 0.00006.
gnomAD v4.1: 84 of 1,520,116 alleles (0.0055%); highest among the groups gnomAD compares: Middle Eastern, 0.037%; no homozygotes.

Submissions (2):

CeGaT Center for Human Genetics Tuebingen
Classification: Likely benign. Last evaluated: 2025-02-01. Review status: criteria provided, single submitter. Criteria: CeGaT Center For Human Genetics Tuebingen Variant Classification Criteria Version 2. Collection method: clinical testing. Allele origin: germline. Affected: yes. Observed: 1 variant allele.
Comment: RERE: BS1

Labcorp Genetics (formerly Invitae), Labcorp
Classification: Likely benign. Last evaluated: 2025-01-15. Review status: criteria provided, single submitter. Criteria: Invitae Variant Classification Sherloc (09022015). Collection method: clinical testing. Allele origin: germline.

NM_001042681.2(RERE):c.3623C>T (p.Ala1208Val)

Gene: RERE (arginine-glutamic acid dipeptide repeats; minus strand). Cytogenetic location: 1p36.23.
Variant type: single nucleotide variant.
Coding change: c.3623C>T on transcript NM_001042681.2 (MANE Select); coding-DNA position 3623, C replaced by T.
Protein change: p.Ala1208Val; replaces alanine 1208 with valine.
Molecular consequence: missense variant.
Genome position (GRCh38, 1-based): chr1:8,358,912, G>A on the plus strand (C>T on the coding strand, the complement: RERE is on the minus strand). VCF-style: chr1-8358912-G-A. GRCh37 (hg19) VCF-style: chr1-8418972-G-A.
Other names: c.1961C>T, p.Ala654Val (NM_001042682.2); c.3623C>T, p.Ala1208Val (NM_012102.4); short protein forms A654V, A1208V.
Identifiers: ClinVar variation 2071327 (VCV002071327.17), dbSNP rs757157743, ClinGen allele CA571033.